The following is an entry in ClinVar:

ClinVar aggregate classification (germline): Pathogenic (1 of 4 stars; one submission).

Conditions:
Bardet-Biedl syndrome 3 (BBS3). Identifiers: Orphanet 110, MedGen C1859564, MONDO:0010832, OMIM 600151.
Retinitis pigmentosa 55 (RP55). Identifiers: Orphanet 791, MedGen C3150808, MONDO:0013312, OMIM 613575.

Submission:

Labcorp Genetics (formerly Invitae), Labcorp
Classification: Pathogenic for Retinitis pigmentosa 55; Bardet-Biedl syndrome 3. Last evaluated: 2023-04-05. Review status: criteria provided, single submitter. Criteria: Invitae Variant Classification Sherloc (09022015). Collection method: clinical testing. Allele origin: germline.
Comment: This variant disrupts a region of the ARL6 protein in which other variant(s) (p.Ile91Thr) have been determined to be pathogenic (PMID: 24400638, 29806606). This suggests that this is a clinically significant region of the protein, and that variants that disrupt it are likely to be disease-causing. For these reasons, this variant has been classified as Pathogenic. A similar copy number variant has been observed in individual(s) with Bardet-Biedl syndrome (PMID: 27486776). This variant is a gross deletion of the genomic region encompassing exon(s) 4-9 of the ARL6 gene, which includes the termination codon. This deletion extends beyond the assayed region for this gene and therefore may encompass additional genes. While this deletion is not anticipated to lead to nonsense mediated decay, it is expected to alter mRNA translation or result in a truncated protein product.

Literature cited by the submitters: PubMed 24400638; PubMed 29806606; PubMed 27486776.

NC_000003.11:g.(?_97498983)_(97516893_?)del

Gene: ARL6 (ARF like GTPase 6; plus strand). Cytogenetic location: 3q11.2.
Variant type: Deletion.
Identifiers: ClinVar variation 1457182 (VCV001457182.5).